The following is an entry in ClinVar:

ClinVar aggregate classification (germline): Pathogenic. Review status: criteria provided, multiple submitters, no conflicts (2 of 4 stars). 29 submissions from 29 submitters: Pathogenic (23). 6 of the submissions do not count toward it. Last evaluated 2026-06-08.

Conditions:
NPC1-related disorder. Also called: NPC1-related condition.
Inborn genetic diseases. Identifiers: MedGen C0950123, MeSH D030342.
Lysosomal storage disease. Also called: Lysosomal storage disorder. Identifiers: Orphanet 68366, MedGen C0085078, MONDO:0002561.
Sphingomyelin/cholesterol lipidosis. Also called: Niemann-Pick disease. Identifiers: MedGen C0028064, MONDO:0001982.
Niemann-Pick disease, type C (NPC). Identifiers: Orphanet 646, MedGen C0220756, MONDO:0018982.
Niemann-Pick disease, type C1. Also called: NEUROVISCERAL STORAGE DISEASE WITH VERTICAL SUPRANUCLEAR OPHTHALMOPLEGIA; NIEMANN-PICK DISEASE WITH CHOLESTEROL ESTERIFICATION BLOCK; NIEMANN-PICK DISEASE WITHOUT SPHINGOMYELINASE DEFICIENCY; NIEMANN-PICK DISEASE, CHRONIC NEURONOPATHIC FORM; NIEMANN-PICK DISEASE, VARIANT TYPE C1. Identifiers: Orphanet 646, MedGen C3179455, MONDO:0009757, OMIM 257220.

Allele frequency attached by ClinVar (database versions not stated): gnomAD exomes 0.00020 and 0.00052; gnomAD 0.00023 and 0.00025; TOPMed 0.00023; ExAC 0.00024.
gnomAD v4.1: 784 of 1,614,114 alleles (0.049%); highest among the groups gnomAD compares: Non-Finnish European, 0.063%; no homozygotes.

Submissions 1 to 10 of 29:

PreventionGenetics, part of Exact Sciences
Classification: Pathogenic for NPC1-related condition. Last evaluated: 2026-06-08. Review status: criteria provided, single submitter. Criteria: ACMG Guidelines, 2015. Collection method: clinical testing. Allele origin: germline.
Comment: The NPC1 c.3182T>C variant is predicted to result in the amino acid substitution p.Ile1061Thr. This variant has been repeatedly documented as causative for Niemann-Pick disease (Yamamoto et al. 1999. PubMed ID: 10480349; Gelsthorpe et al. 2008. PubMed ID: 18216017). This variant is reported in 0.036% of alleles in individuals of European (Non-Finnish) descent in gnomAD, and has been consistently classified as pathogenic by several submitters to the ClinVar database (Variation ID: 2967). This variant is interpreted as pathogenic.

CeGaT Center for Human Genetics Tuebingen
Classification: Pathogenic. Last evaluated: 2026-04-01. Review status: criteria provided, single submitter. Criteria: CeGaT Center For Human Genetics Tuebingen Variant Classification Criteria Version 2. Collection method: clinical testing. Allele origin: germline. Affected: yes. Observed: 11 variant alleles.
Comment: NPC1: PM3:Very Strong, PM2, PS3:Supporting

Labcorp Genetics (formerly Invitae), Labcorp
Classification: Pathogenic for Niemann-Pick disease, type C1. Last evaluated: 2026-01-12. Review status: criteria provided, single submitter. Criteria: Invitae Variant Classification Sherloc (09022015). Collection method: clinical testing. Allele origin: germline.
Comment: This sequence change replaces isoleucine, which is neutral and non-polar, with threonine, which is neutral and polar, at codon 1061 of the NPC1 protein (p.Ile1061Thr). This variant is present in population databases (rs80358259, gnomAD 0.04%). This missense change has been observed in individuals with Niemann-Pick disease type C (PMID: 10521297, 16126423, 20521171, 25149939). It is commonly reported in individuals of American and Western European ancestry (PMID: 10521297). ClinVar contains an entry for this variant (Variation ID: 2967). Invitae Evidence Modeling of protein sequence and biophysical properties (such as structural, functional, and spatial information, amino acid conservation, physicochemical variation, residue mobility, and thermodynamic stability) indicates that this missense variant is expected to disrupt NPC1 protein function with a positive predictive value of 95%. Experimental studies have shown that this missense change affects NPC1 function (PMID: 18216017, 25637190, 26019327). For these reasons, this variant has been classified as Pathogenic.

Variantyx, Inc.
Classification: Pathogenic for Niemann-Pick disease, type C1. Last evaluated: 2026-01-06. Review status: criteria provided, single submitter. Criteria: Variantyx Assertion Criteria 2022. Collection method: clinical testing. Allele origin: germline. Inheritance: Autosomal recessive inheritance. Affected: yes.
Comment: This is a nonsynonymous variant in the NPC1 gene (OMIM: 607623). Pathogenic variants in this gene have been associated with autosomal recessive Niemann-Pick disease type C1. This variant has been identified in the homozygous or compound heterozygous state in at least 10 individuals reported in the published literature (PMID: 10521297 , 26666848 , 16126423 (PM3). Computational algorithms produce conflicting evidence regarding the predicted functional impact of this variant (REVEL score: 0.626), but functional studies have shown that this variant alters NPC1 protein function (PMID: 18216017 , 28666962 , 26019327) (PS3). This variant has a 0.0631% maximum allele frequency in non-founder control populations (PM2). Based on the current evidence, this variant is classified as pathogenic for autosomal recessive Niemann-Pick disease type C1.

NHS Central & South Genomic Laboratory Hub
Classification: Pathogenic for Lysosomal storage disorder. Last evaluated: 2025-10-21. Review status: criteria provided, single submitter. Criteria: ACMG Guidelines, 2015. Collection method: clinical testing. Allele origin: germline. Affected: yes.

Ambry Genetics
Classification: Pathogenic for Inborn genetic diseases. Last evaluated: 2025-08-29. Review status: criteria provided, single submitter. Criteria: Ambry Variant Classification Scheme 2023. Collection method: clinical testing. Allele origin: germline.
Comment: The c.3182T>C (p.I1061T) alteration is located in exon 21 (coding exon 21) of the NPC1 gene. This alteration results from a T to C substitution at nucleotide position 3182, causing the isoleucine (I) at amino acid position 1061 to be replaced by a threonine (T). Based on data from gnomAD, the C allele has an overall frequency of 0.019% (53/282832) total alleles studied. The highest observed frequency was 0.036% (46/129164) of European (non-Finnish) alleles. This variant has been identified in the homozygous state and in conjunction with other NPC1 variants in many individuals with features consistent with NPC1-related Niemann-Pick disease (Millat 1999; Fernandez-Valero 2005; Pipalia, 2011; Dardis 2020). This amino acid position is not well conserved in available vertebrate species. In vitro studies of the NPC1 p.I1061T alteration in human fibroblasts demonstrated that, although the protein is synthesized normally, it fails to undergo normal posttranslational glycosylation which leads to a misfolded protein and proteasomal degradation in the endoplasmic reticulum (Gelsthorpe, 2008). This alteration is predicted to be deleterious by in silico analysis. Based on the available evidence, this alteration is classified as pathogenic.

Institute of Medical Genetics and Applied Genomics, University Hospital Tübingen
Classification: Pathogenic for Niemann-Pick disease, type C1. Last evaluated: 2025-07-18. Review status: criteria provided, single submitter. Criteria: ACMG Guidelines, 2015. Collection method: clinical testing. Allele origin: germline. Inheritance: Autosomal recessive inheritance. Affected: yes.

Natera, Inc.
Classification: Pathogenic for Niemann-Pick disease type C1. Last evaluated: 2025-07-13. Review status: criteria provided, single submitter. Criteria: Natera Variant Classification Schema (03/2026). Collection method: clinical testing. Allele origin: germline.
Comment: The c.3182T>C variant in NPC1 is a missense variant predicted to cause substitution of isoleucine to threonine at amino acid 1061. This variant is rare in the general population with a frequency below the threshold expected for the associated phenotype(s). This variant has been observed in one or more individuals affected with the associated recessive disease, as either homozygous or compound heterozygous with a second variant (PMID: 34572251, 17160617). Given the available evidence, this variant is classified as Pathogenic.

Dasa
Classification: Pathogenic. Last evaluated: 2024-12-03. Review status: criteria provided, single submitter. Criteria: DASA Assertion Criteria. Collection method: clinical testing. Allele origin: germline.
Comment: NM_000271.5(NPC1):c.3182T>C (p.Ile1061Thr) is a missense variant that results in the substitution of isoleucine with threonine. The affected residue or protein region has prior evidence supporting clinical relevance. This variant has been recurrently observed in affected individuals with related phenotype in a genotype context consistent with recessive disease (PMID: 18216017; PMID: 25637190; PMID: 26019327; PMID: 16098014; PMID: 1052129). Functional evidence supports a deleterious effect on the gene or gene product (PMID: 18216017; PMID: 25637190; PMID: 26019327; PMID: 16098014; PMID: 1052129). The variant is present at low frequency in population datasets. Based on the available data, this variant is classified as pathogenic.

Blueprint Genetics
Classification: Pathogenic for NPC1-related disorders. Last evaluated: 2024-11-01. Review status: criteria provided, single submitter. Criteria: ACMG Guidelines, 2015. Collection method: clinical testing. Allele origin: germline. Affected: yes. Observed: 5 variant alleles.

NM_000271.5(NPC1):c.3182T>C (p.Ile1061Thr)

Gene: NPC1 (NPC intracellular cholesterol transporter 1; minus strand). Cytogenetic location: 18q11.2.
Variant type: single nucleotide variant.
Coding change: c.3182T>C on transcript NM_000271.5 (MANE Select); coding-DNA position 3182, T replaced by C.
Protein change: p.Ile1061Thr; replaces isoleucine 1061 with threonine.
Molecular consequence: missense variant.
Genome position (GRCh38, 1-based): chr18:23,536,736, A>G on the plus strand (T>C on the coding strand, the complement: NPC1 is on the minus strand). VCF-style: chr18-23536736-A-G. GRCh37 (hg19) VCF-style: chr18-21116700-A-G.
Other names: p.I1061T:ATA>ACA; short protein forms I1061T.
Identifiers: ClinVar variation 2967 (VCV000002967.99), dbSNP rs80358259, ClinGen allele CA340033.